The following is an entry in ClinVar:

NM_001197104.2(KMT2A):c.8270dup (p.Ile2758fs)

Gene: KMT2A (lysine methyltransferase 2A; plus strand). Cytogenetic location: 11q23.3.
Variant type: Duplication.
Coding change: c.8270dup on transcript NM_001197104.2 (MANE Select); coding-DNA position 8270, one base duplicated (A; older notation c.8270dupA).
Protein change: p.Ile2758fs; shifts the reading frame from isoleucine 2758.
Molecular consequence: frameshift variant.
Genome position (GRCh38, 1-based): chr11:118,504,162, A duplicated; the last of 3 consecutive A bases (chr11:118,504,160-118,504,162); duplicating any one gives the same sequence. VCF-style (leftmost placement, unchanged base first): chr11-118504159-T-TA. GRCh37 (hg19) VCF-style: chr11-118374874-T-TA.
Other names: c.8267_8268insA (NM_001197104.1); c.8261dup, p.Ile2755fs (NM_005933.4); c.8270dup (NM_001197104.1); short protein forms I2755fs, I2758fs.
Identifiers: ClinVar variation 562035 (VCV000562035.3), dbSNP rs1565304395, ClinGen allele CA658823266.

ClinVar aggregate classification (germline): Pathogenic. Review status: criteria provided, multiple submitters, no conflicts (2 of 4 stars). 2 submissions from 2 submitters: Pathogenic (2). Last evaluated 2025-07-03.

Conditions:
Wiedemann-Steiner syndrome (WDSTS). Also called: Growth deficiency and mental retardation with facial dysmorphism. Identifiers: Orphanet 319182, MedGen C1854630, MONDO:0011518, OMIM 605130.

Submissions (2):

GeneDx
Classification: Pathogenic. Last evaluated: 2025-07-03. Review status: criteria provided, single submitter. Criteria: GeneDx Variant Classification Process June 2021. Collection method: clinical testing. Allele origin: germline. Affected: yes.
Comment: Frameshift variant predicted to result in protein truncation or nonsense mediated decay in a gene for which loss of function is a known mechanism of disease; Not observed at significant frequency in large population cohorts (gnomAD); This variant is associated with the following publications: (PMID: 29574747)

Centre de Biologie Pathologie Génétique, Centre Hospitalier Universitaire de Lille
Classification: Pathogenic for Wiedemann-Steiner syndrome. Last evaluated: 2017-01-01. Review status: criteria provided, single submitter. Criteria: ACMG Guidelines, 2015. Collection method: clinical testing. Allele origin: de novo. Affected: yes.